The following is an entry in ClinVar:

ClinVar aggregate classification (germline): Uncertain significance (1 of 4 stars; one submission).

Allele frequency attached by ClinVar (database versions not stated): gnomAD exomes below 0.00001.
gnomAD v4.1: 1 of 1,614,102 alleles (0.000062%); highest among the groups gnomAD compares: South Asian, 0.0011%; no homozygotes.

Submission:

Labcorp Genetics (formerly Invitae), Labcorp
Classification: Uncertain significance. Last evaluated: 2023-08-04. Review status: criteria provided, single submitter. Criteria: Invitae Variant Classification Sherloc (09022015). Collection method: clinical testing. Allele origin: germline.
Comment: In summary, the available evidence is currently insufficient to determine the role of this variant in disease. Therefore, it has been classified as a Variant of Uncertain Significance. Advanced modeling of protein sequence and biophysical properties (such as structural, functional, and spatial information, amino acid conservation, physicochemical variation, residue mobility, and thermodynamic stability) has been performed at Invitae for this missense variant, however the output from this modeling did not meet the statistical confidence thresholds required to predict the impact of this variant on ROR2 protein function. ClinVar contains an entry for this variant (Variation ID: 1719118). This variant has not been reported in the literature in individuals affected with ROR2-related conditions. This variant is not present in population databases (gnomAD no frequency). This sequence change replaces glutamic acid, which is acidic and polar, with lysine, which is basic and polar, at codon 703 of the ROR2 protein (p.Glu703Lys).

NM_004560.4(ROR2):c.2107G>A (p.Glu703Lys)

Gene: ROR2 (receptor tyrosine kinase like orphan receptor 2; minus strand). Cytogenetic location: 9q22.31.
Variant type: single nucleotide variant.
Coding change: c.2107G>A on transcript NM_004560.4 (MANE Select); coding-DNA position 2107, G replaced by A.
Protein change: p.Glu703Lys; replaces glutamic acid 703 with lysine.
Molecular consequence: missense variant.
Genome position (GRCh38, 1-based): chr9:91,724,387, C>T on the plus strand (G>A on the coding strand, the complement: ROR2 is on the minus strand). VCF-style: chr9-91724387-C-T. GRCh37 (hg19) VCF-style: chr9-94486669-C-T.
Other names: short protein forms E703K.
Identifiers: ClinVar variation 1719118 (VCV001719118.5), dbSNP rs2490111738, ClinGen allele CA373796060.